The following is an entry in ClinVar:

ClinVar aggregate classification (germline): Uncertain significance. Review status: criteria provided, multiple submitters, no conflicts (2 of 4 stars). 2 submissions from 2 submitters: Uncertain significance (2). Last evaluated 2022-07-06.

Conditions:
Autosomal recessive limb-girdle muscular dystrophy type 2A (LGMDR1). Also called: Limb-girdle muscular dystrophy, type 2A; Muscular dystrophy, limb-girdle, type 2A, Amish; LEYDEN-MOEBIUS MUSCULAR DYSTROPHY; MUSCULAR DYSTROPHY, PELVOFEMORAL; Calpainopathy. Identifiers: Orphanet 267, MedGen C1869123, MONDO:0009675, OMIM 253600. Disease mechanism: loss of function.

Submissions (2):

Labcorp Genetics (formerly Invitae), Labcorp
Classification: Uncertain significance for Autosomal recessive limb-girdle muscular dystrophy type 2A. Last evaluated: 2022-07-06. Review status: criteria provided, single submitter. Criteria: Invitae Variant Classification Sherloc (09022015). Collection method: clinical testing. Allele origin: germline.
Comment: This sequence change replaces alanine, which is neutral and non-polar, with valine, which is neutral and non-polar, at codon 227 of the CAPN3 protein (p.Ala227Val). This variant is not present in population databases (gnomAD no frequency). This variant has not been reported in the literature in individuals affected with CAPN3-related conditions. ClinVar contains an entry for this variant (Variation ID: 595915). Advanced modeling of protein sequence and biophysical properties (such as structural, functional, and spatial information, amino acid conservation, physicochemical variation, residue mobility, and thermodynamic stability) performed at Invitae indicates that this missense variant is expected to disrupt CAPN3 protein function. Algorithms developed to predict the effect of sequence changes on RNA splicing suggest that this variant may create or strengthen a splice site. In summary, the available evidence is currently insufficient to determine the role of this variant in disease. Therefore, it has been classified as a Variant of Uncertain Significance.

Eurofins Ntd Llc (ga)
Classification: Uncertain significance. Last evaluated: 2018-01-26. Review status: criteria provided, single submitter. Criteria: EGL Classification Definitions 2015. Collection method: clinical testing. Allele origin: germline. Observed: 1 variant allele, 1 heterozygote.

NM_000070.3(CAPN3):c.680C>T (p.Ala227Val)

Gene: CAPN3 (calpain 3; plus strand). Cytogenetic location: 15q15.1.
Variant type: single nucleotide variant.
Coding change: c.680C>T on transcript NM_000070.3 (MANE Select); coding-DNA position 680, C replaced by T.
Protein change: p.Ala227Val; replaces alanine 227 with valine.
Molecular consequence: missense variant.
Genome position (GRCh38, 1-based): chr15:42,388,975, C>T. VCF-style: chr15-42388975-C-T. GRCh37 (hg19) VCF-style: chr15-42681173-C-T.
Other names: c.680C>T, p.Ala227Val (NM_024344.2, NM_173087.2); short protein forms A227V.
Identifiers: ClinVar variation 595915 (VCV000595915.10), dbSNP rs1566975567, ClinGen allele CA391998142.